The following is an entry in ClinVar:

ClinVar aggregate classification (germline): Likely benign (1 of 4 stars; one submission).

Submission:

CeGaT Center for Human Genetics Tuebingen
Classification: Likely benign. Last evaluated: 2026-08-01. Review status: criteria provided, single submitter. Criteria: CeGaT Center For Human Genetics Tuebingen Variant Classification Criteria Version 2. Collection method: clinical testing. Allele origin: germline. Affected: yes. Observed: 1 variant allele.
Comment: ATP7B: PM2:Supporting, BP4, BP7

NM_000053.4(ATP7B):c.2565C>A (p.Ser855=)

Gene: ATP7B (ATPase copper transporting beta; minus strand). Cytogenetic location: 13q14.3.
Variant type: single nucleotide variant.
Coding change: c.2565C>A on transcript NM_000053.4 (MANE Select); coding-DNA position 2565, C replaced by A.
Protein change: p.Ser855=; no amino-acid change (serine 855 retained).
Molecular consequence: synonymous variant. On other transcripts: intron variant (1).
Genome position (GRCh38, 1-based): chr13:51,950,282, G>T on the plus strand (C>A on the coding strand, the complement: ATP7B is on the minus strand). VCF-style: chr13-51950282-G-T. GRCh37 (hg19) VCF-style: chr13-52524418-G-T.
Other names: c.2079C>A, p.Ser693= (NM_001005918.3, NM_001406541.1, NM_001406542.1 and 1 more transcripts); c.2232C>A, p.Ser744= (NM_001243182.2); c.2331C>A, p.Ser777= (NM_001330578.2, NM_001406527.1, NM_001406528.1 and 2 more transcripts); c.2313C>A, p.Ser771= (NM_001330579.2, NM_001406531.1, NM_001406532.1 and 1 more transcripts); c.2565C>A, p.Ser855= (NM_001406511.1, NM_001406512.1, NM_001406513.1 and 7 more transcripts); c.2532C>A, p.Ser844= (NM_001406514.1); c.2469C>A, p.Ser823= (NM_001406517.1, NM_001406518.1); c.2421C>A, p.Ser807= (NM_001406520.1, NM_001406521.1, NM_001406522.1 and 1 more transcripts); and 8 more.
Identifiers: ClinVar variation 5039121 (VCV005039121.1).